The following is an entry in ClinVar:

NM_000271.5(NPC1):c.444C>T (p.Val148=)

Gene: NPC1 (NPC intracellular cholesterol transporter 1; minus strand). Cytogenetic location: 18q11.2.
Variant type: single nucleotide variant.
Coding change: c.444C>T on transcript NM_000271.5 (MANE Select); coding-DNA position 444, C replaced by T.
Protein change: p.Val148=; no amino-acid change (valine 148 retained).
Molecular consequence: synonymous variant.
Genome position (GRCh38, 1-based): chr18:23,568,842, G>A on the plus strand (C>T on the coding strand, the complement: NPC1 is on the minus strand). VCF-style: chr18-23568842-G-A. GRCh37 (hg19) VCF-style: chr18-21148806-G-A.
Identifiers: ClinVar variation 1134409 (VCV001134409.32), dbSNP rs899764342, ClinGen allele CA297079015.
Genomic context (GRCh38, chr18:23,568,842, plus strand): 5'-GATGCCAGCTGTAAAAGAGGAATAATTAAAAGTTTACTTACCATTGGCAAAACTCTGTCC[G>A]ACGTAGTATTGTAACTCTTTCACATTTGTTTTCGTCTGGTTTGTAACAGGATCAACATAA-3'
Protein context (NP_000262.2, residues 138-158): KTNVKELQYY[Val148=]GQSFANAMYN

ClinVar aggregate classification (germline): Likely benign. Review status: criteria provided, multiple submitters, no conflicts (2 of 4 stars). 2 submissions from 2 submitters: Likely benign (2). Last evaluated 2025-10-18.

Conditions:
Niemann-Pick disease, type C1. Also called: NIEMANN-PICK DISEASE, VARIANT TYPE C1; NEUROVISCERAL STORAGE DISEASE WITH VERTICAL SUPRANUCLEAR OPHTHALMOPLEGIA; NIEMANN-PICK DISEASE WITH CHOLESTEROL ESTERIFICATION BLOCK; NIEMANN-PICK DISEASE WITHOUT SPHINGOMYELINASE DEFICIENCY; NIEMANN-PICK DISEASE, CHRONIC NEURONOPATHIC FORM. Identifiers: Orphanet 646, MedGen C3179455, MONDO:0009757, OMIM 257220.

Allele frequency attached by ClinVar (database versions not stated): gnomAD 0.00001; gnomAD exomes 0.00001.
gnomAD v4.1: 9 of 1,613,804 alleles (0.00056%); highest among the groups gnomAD compares: East Asian, 0.0022%; no homozygotes.

Submissions (2):

Labcorp Genetics (formerly Invitae), Labcorp
Classification: Likely benign for Niemann-Pick disease, type C1. Last evaluated: 2025-10-18. Review status: criteria provided, single submitter. Criteria: Invitae Variant Classification Sherloc (09022015). Collection method: clinical testing. Allele origin: germline.

CeGaT Center for Human Genetics Tuebingen
Classification: Likely benign. Last evaluated: 2022-05-01. Review status: criteria provided, single submitter. Criteria: CeGaT Center For Human Genetics Tuebingen Variant Classification Criteria Version 2. Collection method: clinical testing. Allele origin: germline. Affected: yes. Observed: 1 variant allele.
Comment: NPC1: BP4, BP7